The following is an entry in ClinVar:

ClinVar aggregate classification (germline): Benign. Review status: criteria provided, multiple submitters, no conflicts (2 of 4 stars). 2 submissions from 2 submitters: Benign (2). Last evaluated 2018-01-13.

Conditions:
Knobloch syndrome (KNO). Also called: RETINAL DETACHMENT AND OCCIPITAL ENCEPHALOCELE; Myopia retinal detachment encephalocele. Identifiers: Orphanet 1571, MedGen C1849409, MONDO:0800166.

Allele frequency attached by ClinVar (database versions not stated): 1000 Genomes Project 0.10363; 1000 Genomes Project 30x 0.10650; TOPMed 0.11684.
gnomAD v4.1: 48,700 of 455,960 alleles (11%); highest among the groups gnomAD compares: Admixed American, 17%; 2,813 homozygotes.

Submissions (2):

Illumina Laboratory Services, Illumina
Classification: Benign for Knobloch syndrome 1. Last evaluated: 2018-01-13. Review status: criteria provided, single submitter. Criteria: ICSL Variant Classification Criteria 13 December 2019. Collection method: clinical testing. Allele origin: germline.
Comment: This variant was observed in the ICSL laboratory as part of a predisposition screen in an ostensibly healthy population. It had not been previously curated by ICSL or reported in the Human Gene Mutation Database (HGMD: prior to June 1st, 2018), and was therefore a candidate for classification through an automated scoring system. Utilizing variant allele frequency, disease prevalence and penetrance estimates, and inheritance mode, an automated score was calculated to assess if this variant is too frequent to cause the disease. Based on the score and internal cut-off values, a variant classified as benign is not then subjected to further curation. The score for this variant resulted in a classification of benign for this disease.

Breakthrough Genomics
Classification: Benign. Review status: criteria provided, single submitter. Criteria: ACMG Guidelines, 2015. Collection method: not provided. Allele origin: germline. Inheritance: Autosomal recessive inheritance. Affected: yes.

NM_001379500.1(COL18A1):c.*306G>C

Genes: COL18A1 (collagen type XVIII alpha 1 chain; plus strand), SLC19A1 (solute carrier family 19 member 1; minus strand). Cytogenetic location: 21q22.3.
Variant type: single nucleotide variant.
Coding change: c.*306G>C on transcript NM_001379500.1 (MANE Select); 306 bases downstream of the stop codon, G replaced by C.
Molecular consequence: 3 prime UTR variant.
Genome position (GRCh38, 1-based): chr21:45,512,704, G>C. VCF-style: chr21-45512704-G-C. GRCh37 (hg19) VCF-style: chr21-46932618-G-C.
Other names: NM_130445.2:c.*306G>C; c.*2272C>G (NM_001205206.4, NM_001352511.3); c.*2954C>G (NM_001205207.3, NM_001352510.2, NM_001352512.2 and 1 more transcripts); c.*306G>C (NM_030582.4, NM_130444.3).
Identifiers: ClinVar variation 340282 (VCV000340282.6), dbSNP rs17004785, ClinGen allele CA10650660.